The following is an entry in ClinVar:

NM_014795.4(ZEB2):c.3050A>G (p.His1017Arg)

Gene: ZEB2 (zinc finger E-box binding homeobox 2; minus strand). Cytogenetic location: 2q22.3.
Variant type: single nucleotide variant.
Coding change: c.3050A>G on transcript NM_014795.4 (MANE Select); coding-DNA position 3050, A replaced by G.
Protein change: p.His1017Arg; replaces histidine 1017 with arginine.
Molecular consequence: missense variant.
Genome position (GRCh38, 1-based): chr2:144,396,429, T>C on the plus strand (A>G on the coding strand, the complement: ZEB2 is on the minus strand). VCF-style: chr2-144396429-T-C. GRCh37 (hg19) VCF-style: chr2-145153996-T-C.
Other names: c.2978A>G, p.His993Arg (NM_001171653.2); short protein forms H1017R, H993R.
Identifiers: ClinVar variation 4823101 (VCV004823101.4).

ClinVar aggregate classification (germline): Uncertain significance (1 of 4 stars; one submission).

Submission:

CeGaT Center for Human Genetics Tuebingen
Classification: Uncertain significance. Last evaluated: 2026-01-01. Review status: criteria provided, single submitter. Criteria: CeGaT Center For Human Genetics Tuebingen Variant Classification Criteria Version 2. Collection method: clinical testing. Allele origin: germline. Affected: yes. Observed: 1 variant allele.
Comment: ZEB2: PM2, PM1:Supporting, PP2, PP3